The following is an entry in ClinVar:

NM_004082.5(DCTN1):c.425C>T (p.Ala142Val)

Gene: DCTN1 (dynactin subunit 1; minus strand). Cytogenetic location: 2p13.1.
Variant type: single nucleotide variant.
Coding change: c.425C>T on transcript NM_004082.5 (MANE Select); coding-DNA position 425, C replaced by T.
Protein change: p.Ala142Val; replaces alanine 142 with valine.
Molecular consequence: missense variant. On other transcripts: intron variant (3).
Genome position (GRCh38, 1-based): chr2:74,374,330, G>A on the plus strand (C>T on the coding strand, the complement: DCTN1 is on the minus strand). VCF-style: chr2-74374330-G-A. GRCh37 (hg19) VCF-style: chr2-74601457-G-A.
Other names: c.23C>T, p.Ala8Val (NM_001135041.3, NM_023019.4); c.404C>T, p.Ala135Val (NM_001190837.2); c.374C>T, p.Ala125Val (NM_001378991.1); c.343-2602C>T (NM_001190836.2); c.364-1382C>T (NM_001378992.1); c.394-2602C>T (NM_001135040.3); short protein forms A8V, A142V, A125V, A135V.
Identifiers: ClinVar variation 2935775 (VCV002935775.3), dbSNP rs1242220597, ClinGen allele CA347370146.

ClinVar aggregate classification (germline): Uncertain significance (1 of 4 stars; one submission).

Conditions:
Amyotrophic lateral sclerosis type 1 (ALS1). Also called: AMYOTROPHIC LATERAL SCLEROSIS 1, FAMILIAL. Identifiers: Orphanet 803, MedGen C1862939, MONDO:0007103, OMIM 105400.
Neuronopathy, distal hereditary motor, type 7B. Also called: HMN VIIB; LOWER MOTOR NEURON DISEASE, DYNACTIN TYPE; NEURONOPATHY, DISTAL HEREDITARY MOTOR, AUTOSOMAL DOMINANT 14; NEURONOPATHY, DISTAL HEREDITARY MOTOR, HARDING TYPE VIIB; NEUROPATHY, DISTAL HEREDITARY MOTOR, HARDING TYPE VIIB; NEUROPATHY, DISTAL HEREDITARY MOTOR, WITH VOCAL CORD PARALYSIS, HARDING TYPE VIIB. Identifiers: Orphanet 139589, MedGen C1843315, MONDO:0011879, OMIM 607641.
Perry syndrome. Also called: PARKINSONISM WITH ALVEOLAR HYPOVENTILATION AND MENTAL DEPRESSION. Identifiers: Orphanet 178509, MedGen C1868594, MONDO:0008201, OMIM 168605.

Allele frequency attached by ClinVar (database versions not stated): gnomAD 0.00001; gnomAD exomes 0.00001; TOPMed 0.00001.
gnomAD v4.1: 7 of 1,613,608 alleles (0.00043%); highest among the groups gnomAD compares: African/African-American, 0.0027%; no homozygotes.

Submission:

Labcorp Genetics (formerly Invitae), Labcorp
Classification: Uncertain significance for Amyotrophic lateral sclerosis type 1; Neuronopathy, distal hereditary motor, type 7B; Perry syndrome. Last evaluated: 2023-04-07. Review status: criteria provided, single submitter. Criteria: Invitae Variant Classification Sherloc (09022015). Collection method: clinical testing. Allele origin: germline.
Comment: This variant has not been reported in the literature in individuals affected with DCTN1-related conditions. In summary, the available evidence is currently insufficient to determine the role of this variant in disease. Therefore, it has been classified as a Variant of Uncertain Significance. An algorithm developed to predict the effect of missense changes on protein structure and function (PolyPhen-2) suggests that this variant is likely to be tolerated. This variant is present in population databases (no rsID available, gnomAD 0.0009%). This sequence change replaces alanine, which is neutral and non-polar, with valine, which is neutral and non-polar, at codon 142 of the DCTN1 protein (p.Ala142Val).